The following is an entry in ClinVar:

NM_032043.3(BRIP1):c.2097+5G>A

Gene: BRIP1 (BRCA1 interacting DNA helicase 1; minus strand). Cytogenetic location: 17q23.2.
Variant type: single nucleotide variant.
Coding change: c.2097+5G>A on transcript NM_032043.3 (MANE Select); 5 bases into the intron after coding-DNA position 2097, G replaced by A.
Molecular consequence: intron variant.
Genome position (GRCh38, 1-based): chr17:61,776,396, C>T on the plus strand (G>A on the coding strand, the complement: BRIP1 is on the minus strand). VCF-style: chr17-61776396-C-T. GRCh37 (hg19) VCF-style: chr17-59853757-C-T.
Identifiers: ClinVar variation 631376 (VCV000631376.8), dbSNP rs1567808616, ClinGen allele CA913188887.
Genomic context (GRCh38, chr17:61,776,396, plus strand): 5'-GCATGCCAATGTTTAAAATGTAAATGATTATTTAAAGGCAAAAGAAACAATAAATATTCC[C>T]TTACCTTGTAAGATGGCAAGAAACACAAAATTCCTTGGCTCACAGTCTGGCACACAGATA-3'

ClinVar aggregate classification (germline): Uncertain significance. Review status: criteria provided, multiple submitters, no conflicts (2 of 4 stars). 4 submissions from 4 submitters: Uncertain significance (3). 1 of the submissions does not count toward it. Last evaluated 2026-09-04.

Conditions:
Hereditary cancer-predisposing syndrome. Also called: Neoplastic Syndromes, Hereditary; Hereditary Cancer Syndrome; Hereditary neoplastic syndrome; Tumor predisposition. Identifiers: Orphanet 140162, MedGen C0027672, MeSH D009386, MONDO:0015356.
Malignant tumor of breast. Also called: Malignant breast neoplasm; Cancer breast. Identifiers: MedGen C0006142, MONDO:0007254. Disease mechanism: loss of function.
Familial cancer of breast. Also called: hereditary breast carcinoma; BREAST CANCER, FAMILIAL; Hereditary breast cancer. Identifiers: Orphanet 227535, MedGen C0346153, MONDO:0016419, OMIM 114480. Disease mechanism: loss of function.
Fanconi anemia complementation group J. Also called: BRIP1-Related Fanconi Anemia. Identifiers: Orphanet 84, MedGen C1836860, MONDO:0012187, OMIM 609054.

Allele frequency attached by ClinVar (database versions not stated): gnomAD exomes below 0.00001.
gnomAD v4.1: 3 of 1,613,902 alleles (0.00019%); highest among the groups gnomAD compares: Non-Finnish European, 0.00025%; no homozygotes.

Submissions (4):

Ambry Genetics
Classification: Uncertain significance for Hereditary cancer-predisposing syndrome. Last evaluated: 2026-09-04. Review status: criteria provided, single submitter. Criteria: Ambry Variant Classification Scheme 2023. Collection method: clinical testing. Allele origin: germline.
Comment: The c.2097+5G>A intronic variant results from a G to A substitution 5 nucleotides after coding exon 13 in the BRIP1 gene. This nucleotide position is well conserved in available vertebrate species. In silico splice site analysis predicts that this alteration will not have any significant effect on splicing. Based on the available evidence, the clinical significance of this variant remains unclear.

Labcorp Genetics (formerly Invitae), Labcorp
Classification: Uncertain significance for Familial cancer of breast; Fanconi anemia complementation group J. Last evaluated: 2024-11-15. Review status: criteria provided, single submitter. Criteria: Invitae Variant Classification Sherloc (09022015). Collection method: clinical testing. Allele origin: germline.
Comment: This sequence change falls in intron 14 of the BRIP1 gene. It does not directly change the encoded amino acid sequence of the BRIP1 protein. It affects a nucleotide within the consensus splice site. This variant is not present in population databases (gnomAD no frequency). This variant has not been reported in the literature in individuals affected with BRIP1-related conditions. ClinVar contains an entry for this variant (Variation ID: 631376). Variants that disrupt the consensus splice site are a relatively common cause of aberrant splicing (PMID: 17576681, 9536098). Algorithms developed to predict the effect of sequence changes on RNA splicing suggest that this variant is not likely to affect RNA splicing. In summary, the available evidence is currently insufficient to determine the role of this variant in disease. Therefore, it has been classified as a Variant of Uncertain Significance.

Color Diagnostics, LLC DBA Color Health
Classification: Uncertain significance for Hereditary cancer-predisposing syndrome. Last evaluated: 2019-04-25. Review status: criteria provided, single submitter. Criteria: ACMG Guidelines, 2015. Collection method: clinical testing. Allele origin: germline.

Department of Pathology and Laboratory Medicine, Sinai Health System
Classification: Uncertain significance for Malignant tumor of breast. Review status: no assertion criteria provided. Collection method: clinical testing. Allele origin: unknown. Affected: yes. Study: The Canadian Open Genetics Repository (COGR). Not counted in ClinVar's aggregate classification.
Comment: The BRIP1 c.2097+5G>A variant was not identified in the literature nor was it identified in the dbSNP database. The variant was identified in ClinVar (classified as uncertain significance by Color). The variant was not identified in the Exome Aggregation Consortium (August 8th 2016) or the Genome Aggregation Database (Feb 27, 2017). The c.2097+5G>A variant is located in the 5' splice region but does not affect the invariant +1 and +2 positions. However, positions +3 to +6 are part of the splicing consensus sequence and variants involving these positions sometimes affect splicing. Further, 2 of 4 in silico or computational prediction software programs (SpliceSiteFinder, MaxEntScan, NNSPLICE, GeneSplicer) predict a greater than 10% difference in splicing; this is not very predictive of pathogenicity. In summary, based on the above information, the clinical significance of this variant cannot be determined with certainty at this time. This variant is classified as a variant of uncertain significance.

Literature cited by the submitters: PubMed 17576681 (cited by Labcorp Genetics (formerly Invitae), Labcorp); PubMed 9536098 (cited by Labcorp Genetics (formerly Invitae), Labcorp).